The following is an entry in ClinVar:

ClinVar aggregate classification (germline): Uncertain significance (1 of 4 stars; one submission).

Submission:

Labcorp Genetics (formerly Invitae), Labcorp
Classification: Uncertain significance. Last evaluated: 2024-04-19. Review status: criteria provided, single submitter. Criteria: Invitae Variant Classification Sherloc (09022015). Collection method: clinical testing. Allele origin: germline.
Comment: This sequence change replaces cysteine, which is neutral and slightly polar, with tyrosine, which is neutral and polar, at codon 291 of the SIAE protein (p.Cys291Tyr). This variant is present in population databases (no rsID available, gnomAD 0.001%). This variant has not been reported in the literature in individuals affected with SIAE-related conditions. An algorithm developed to predict the effect of missense changes on protein structure and function (PolyPhen-2) suggests that this variant is likely to be disruptive. In summary, the available evidence is currently insufficient to determine the role of this variant in disease. Therefore, it has been classified as a Variant of Uncertain Significance.

NM_170601.5(SIAE):c.872_873delinsAT (p.Cys291Tyr)

Gene: SIAE (sialic acid acetylesterase; minus strand). Cytogenetic location: 11q24.2.
Variant type: Indel.
Coding change: c.872_873delinsAT on transcript NM_170601.5 (MANE Select); coding-DNA positions 872 to 873, GC replaced by AT.
Protein change: p.Cys291Tyr; replaces cysteine 291 with tyrosine.
Molecular consequence: missense variant.
Genome position (GRCh38, 1-based): chr11:124,647,458-124,647,459, GC replaced by AT on the plus strand (GC replaced by AT on the coding strand, the reverse complement: SIAE is on the minus strand). VCF-style: chr11-124647458-GC-AT. GRCh37 (hg19) VCF-style: chr11-124517354-GC-AT.
Other names: c.767_768delinsAT, p.Cys256Tyr (NM_001199922.2); short protein forms C291Y, C256Y.
Identifiers: ClinVar variation 3013452 (VCV003013452.3), dbSNP rs2496900187, ClinGen allele CA2740093241.